The following is an entry in ClinVar:

NM_012431.3(SEMA3E):c.1459-7A>G

Gene: SEMA3E (semaphorin 3E; minus strand). Cytogenetic location: 7q21.11.
Variant type: single nucleotide variant.
Coding change: c.1459-7A>G on transcript NM_012431.3 (MANE Select); 7 bases into the intron before coding-DNA position 1459, A replaced by G.
Molecular consequence: intron variant.
Genome position (GRCh38, 1-based): chr7:83,394,345, T>C on the plus strand (A>G on the coding strand, the complement: SEMA3E is on the minus strand). VCF-style: chr7-83394345-T-C. GRCh37 (hg19) VCF-style: chr7-83023661-T-C.
Other names: c.1279-7A>G (NM_001178129.2).
Identifiers: ClinVar variation 4998931 (VCV004998931.1).
Genomic context (GRCh38, chr7:83,394,345, plus strand): 5'-CACAGAACTTACCCGCTTTGAAGAAATCTCCATAGAAATAATAGGAACTGGATCCTGAAA[T>C]TTTAAAAAAGTTTTCATTTTTAAGAAAACAGTATAAAAACATTTACCTTAATATGGTTGT-3'

ClinVar aggregate classification (germline): Uncertain significance (1 of 4 stars; one submission).

Conditions:
SEMA3E-related disorder. Also called: SEMA3E-related condition.

Submission:

PreventionGenetics, part of Exact Sciences
Classification: Uncertain significance for SEMA3E-related condition. Last evaluated: 2026-07-13. Review status: criteria provided, single submitter. Criteria: ACMG Guidelines, 2015. Collection method: clinical testing. Allele origin: germline.
Comment: The SEMA3E c.1459-7A>G variant is predicted to interfere with splicing. This variant is predicted to alter splicing based on available splicing prediction programs (SpliceAI, Jaganathan et al. 2019. PubMed ID: 30661751). To our knowledge, this variant has not been reported in the literature or in a large population database (gnomAD), indicating this variant is rare. At this time, the clinical significance of this variant is uncertain due to the absence of conclusive functional and genetic evidence.